The following is an entry in ClinVar:

ClinVar aggregate classification (germline): Conflicting classifications of pathogenicity. Review status: criteria provided, conflicting classifications (1 of 4 stars). 7 submissions from 7 submitters: Likely pathogenic (1); Uncertain significance (6). Last evaluated 2026-01-05.

Conditions:
Short-rib thoracic dysplasia 18 with polydactyly. Identifiers: MedGen C4693420, MONDO:0036483, OMIM 617866.
Cranioectodermal dysplasia 3 (CED3). Identifiers: Orphanet 1515, MedGen C3279807, MONDO:0013573, OMIM 614099.
Retinitis pigmentosa 81 (RP81). Identifiers: MedGen C4693443, MONDO:0036482, OMIM 617871.
Connective tissue disorder. Also called: Connective tissue disease. Identifiers: MedGen C0009782, MONDO:0003900.

Allele frequency attached by ClinVar (database versions not stated): gnomAD 0.00020 and 0.00025; ESP Exome Variant Server 0.00023; TOPMed 0.00024; gnomAD exomes 0.00029; 1000 Genomes Project 30x 0.00031; 1000 Genomes Project 0.00040.
gnomAD v4.1: 469 of 1,614,064 alleles (0.029%); highest among the groups gnomAD compares: Middle Eastern, 0.18%; 1 homozygote.

Submissions (8):

Labcorp Genetics (formerly Invitae), Labcorp
Classification: Likely pathogenic. Last evaluated: 2026-01-05. Review status: criteria provided, single submitter. Criteria: Invitae Variant Classification Sherloc (09022015). Collection method: clinical testing. Allele origin: germline.
Comment: This sequence change affects a donor splice site in intron 4 of the IFT43 gene. It is expected to disrupt RNA splicing. Variants that disrupt the donor or acceptor splice site typically lead to a loss of protein function (PMID: 16199547), and loss-of-function variants in IFT43 are known to be pathogenic (PMID: 21378380, 28400947). This variant is present in population databases (rs141114765, gnomAD 0.1%). This variant has not been reported in the literature in individuals affected with IFT43-related conditions. ClinVar contains an entry for this variant (Variation ID: 596041). Algorithms developed to predict the effect of sequence changes on RNA splicing suggest that this variant may disrupt the consensus splice site. In summary, the currently available evidence indicates that the variant is pathogenic, but additional data are needed to prove that conclusively. Therefore, this variant has been classified as Likely Pathogenic.

GeneDx
Classification: Uncertain significance. Last evaluated: 2025-05-28. Review status: criteria provided, single submitter. Criteria: GeneDx Variant Classification Process June 2021. Collection method: clinical testing. Allele origin: germline. Affected: yes.
Comment: Identified in a cohort of patients with idiopathic disease and/or unexplained death in published literature (PMID: 31847883). Canonical splice site variant in a gene or region of a gene for which loss of function is not a well-established mechanism of disease; This variant is associated with the following publications: (PMID: 36105030, 31847883)

Blueprint Genetics
Classification: Uncertain significance. Last evaluated: 2024-10-14. Review status: criteria provided, single submitter. Criteria: ACMG Guidelines, 2015. Collection method: clinical testing. Allele origin: germline.

Department of Pathology and Laboratory Medicine, Sinai Health System
Classification: Uncertain significance for Cranioectodermal dysplasia 3; Short-rib thoracic dysplasia 18 with polydactyly. Last evaluated: 2022-09-13. Review status: criteria provided, single submitter. Criteria: ACMG Guidelines, 2015. Collection method: research. Allele origin: germline.

Genome Diagnostics Laboratory, The Hospital for Sick Children
Classification: Uncertain significance for Connective tissue disorder. Last evaluated: 2019-12-01. Review status: criteria provided, single submitter. Criteria: ACMG Guidelines, 2015. Collection method: clinical testing. Allele origin: germline.

Centre for Mendelian Genomics, University Medical Centre Ljubljana
Classification: Uncertain significance for Retinitis pigmentosa 81. Last evaluated: 2019-08-20. Review status: criteria provided, single submitter. Criteria: ACMG Guidelines, 2015. Collection method: clinical testing. Allele origin: unknown. Affected: yes.
Comment: This variant was classified as: Uncertain significance. The available evidence on this variant's pathogenicity is insufficient or conflicting. The following ACMG criteria were applied in classifying this variant: PVS1.

Eurofins Ntd Llc (ga)
Classification: Uncertain significance. Last evaluated: 2018-02-05. Review status: criteria provided, single submitter. Criteria: EGL Classification Definitions 2015. Collection method: clinical testing. Allele origin: germline. Observed: 1 variant allele, 1 heterozygote.

Dr. Peter K. Rogan Lab, Western University
No classification provided (evidence only). Condition: Uterine carcinosarcoma. Review status: no classification provided. Collection method: in vitro. Allele origin: not applicable. Functional consequence: retained intron. Not counted in ClinVar's aggregate classification.

Literature cited by the submitters: PubMed 16199547 (cited by Labcorp Genetics (formerly Invitae), Labcorp); PubMed 21378380 (cited by Labcorp Genetics (formerly Invitae), Labcorp); PubMed 28400947 (cited by Labcorp Genetics (formerly Invitae), Labcorp).

NM_001102564.3(IFT43):c.296-5602T>C

Gene: IFT43 (intraflagellar transport 43; plus strand). Cytogenetic location: 14q24.3.
Variant type: single nucleotide variant.
Coding change: c.296-5602T>C on transcript NM_001102564.3 (MANE Select); 5602 bases into the intron before coding-DNA position 296, T replaced by C.
Molecular consequence: intron variant. On other transcripts: splice donor variant (1).
Genome position (GRCh38, 1-based): chr14:76,076,693, T>C. VCF-style: chr14-76076693-T-C. GRCh37 (hg19) VCF-style: chr14-76543036-T-C.
Other names: c.310+2T>C (NM_052873.3).
Identifiers: ClinVar variation 596041 (VCV000596041.26), dbSNP rs141114765, ClinGen allele CA7280808.